The following is an entry in ClinVar:

ClinVar aggregate classification (germline): Uncertain significance (1 of 4 stars; one submission).

Submission:

GeneDx
Classification: Uncertain significance. Last evaluated: 2026-03-30. Review status: criteria provided, single submitter. Criteria: GeneDx Variant Classification Process June 2021. Collection method: clinical testing. Allele origin: germline.
Comment: Not observed at significant frequency in large population cohorts (gnomAD); In silico analysis suggests that this missense variant does not alter protein structure/function; Has not been previously published as pathogenic or benign to our knowledge; This substitution is predicted to be within the cytoplasmic loop between the second and third homologous domains

NM_001165963.4(SCN1A):c.3138T>G (p.Asp1046Glu)

Genes: SCN1A (sodium voltage-gated channel alpha subunit 1; minus strand), LOC102724058 (uncharacterized LOC102724058; plus strand). Cytogenetic location: 2q24.3.
Variant type: single nucleotide variant.
Coding change: c.3138T>G on transcript NM_001165963.4 (MANE Select); coding-DNA position 3138, T replaced by G.
Protein change: p.Asp1046Glu; replaces aspartic acid 1046 with glutamic acid.
Molecular consequence: missense variant. On other transcripts: non-coding transcript variant (2).
Genome position (GRCh38, 1-based): chr2:166,036,339, A>C on the plus strand (T>G on the coding strand, the complement: SCN1A is on the minus strand). VCF-style: chr2-166036339-A-C. GRCh37 (hg19) VCF-style: chr2-166892849-A-C.
Other names: c.3054T>G, p.Asp1018Glu (NM_001165964.3, NM_001353957.2, NM_001353958.2); c.3138T>G, p.Asp1046Glu (NM_001202435.3, NM_001353948.2); c.3105T>G, p.Asp1035Glu (NM_001353949.2, NM_001353950.2, NM_001353951.2 and 2 more transcripts); c.3102T>G, p.Asp1034Glu (NM_001353954.2, NM_001353955.2); c.3051T>G, p.Asp1017Glu (NM_001353960.2); c.696T>G, p.Asp232Glu (NM_001353961.2); short protein forms D1018E, D1035E, D232E, D1017E, D1034E, D1046E.
Identifiers: ClinVar variation 3731154 (VCV003731154.2).